The following is an entry in ClinVar:

ClinVar aggregate classification (germline): Uncertain significance (1 of 4 stars; one submission).

Conditions:
Inborn genetic diseases. Identifiers: MedGen C0950123, MeSH D030342.

Submission:

Ambry Genetics
Classification: Uncertain significance for Inborn genetic diseases. Last evaluated: 2024-11-23. Review status: criteria provided, single submitter. Criteria: Ambry Variant Classification Scheme 2023. Collection method: clinical testing. Allele origin: germline.
Comment: The p.T608P variant (also known as c.1822A>C), located in coding exon 15 of the BUB1B gene, results from an A to C substitution at nucleotide position 1822. The threonine at codon 608 is replaced by proline, an amino acid with highly similar properties. This amino acid position is conserved. In addition, the in silico prediction for this alteration is inconclusive. Based on the available evidence, the clinical significance of this variant remains unclear.

NM_001211.6(BUB1B):c.1822A>C (p.Thr608Pro)

Gene: BUB1B (BUB1 mitotic checkpoint serine/threonine kinase B; plus strand). Cytogenetic location: 15q15.1.
Variant type: single nucleotide variant.
Coding change: c.1822A>C on transcript NM_001211.6 (MANE Select); coding-DNA position 1822, A replaced by C.
Protein change: p.Thr608Pro; replaces threonine 608 with proline.
Molecular consequence: missense variant.
Genome position (GRCh38, 1-based): chr15:40,206,271, A>C. VCF-style: chr15-40206271-A-C. GRCh37 (hg19) VCF-style: chr15-40498472-A-C.
Other names: short protein forms T608P.
Identifiers: ClinVar variation 3483241 (VCV003483241.1).